The following is an entry in ClinVar:

NM_015178.3(RHOBTB2):c.2095C>T (p.Arg699Trp)

Gene: RHOBTB2 (Rho related BTB domain containing 2; plus strand). Cytogenetic location: 8p21.3.
Variant type: single nucleotide variant.
Coding change: c.2095C>T on transcript NM_015178.3 (MANE Select); coding-DNA position 2095, C replaced by T.
Protein change: p.Arg699Trp; replaces arginine 699 with tryptophan.
Molecular consequence: missense variant.
Genome position (GRCh38, 1-based): chr8:23,017,380, C>T. VCF-style: chr8-23017380-C-T. GRCh37 (hg19) VCF-style: chr8-22874893-C-T.
Other names: c.2161C>T, p.Arg721Trp (NM_001160036.2); c.2116C>T, p.Arg706Trp (NM_001160037.2); c.2095C>T, p.Arg699Trp (NM_001374791.1); c.2161C>T (NM_001160036.1); short protein forms R706W, R721W, R699W.
Identifiers: ClinVar variation 1403549 (VCV001403549.7), dbSNP rs141989309, ClinGen allele CA4672861.

ClinVar aggregate classification (germline): Conflicting classifications of pathogenicity. Review status: criteria provided, conflicting classifications (1 of 4 stars). 2 submissions from 2 submitters: Uncertain significance (1); Benign (1). Last evaluated 2025-01-17.

Allele frequency attached by ClinVar (database versions not stated): gnomAD 0.00002; gnomAD exomes 0.00003 and 0.00005; TOPMed 0.00003; ExAC 0.00004; ESP Exome Variant Server 0.00031.
gnomAD v4.1: 70 of 1,614,066 alleles (0.0043%); highest among the groups gnomAD compares: Non-Finnish European, 0.0054%; no homozygotes.

Submissions (2):

GeneDx
Classification: Uncertain significance. Last evaluated: 2025-01-17. Review status: criteria provided, single submitter. Criteria: GeneDx Variant Classification Process June 2021. Collection method: clinical testing. Allele origin: germline. Affected: yes.
Comment: In silico analysis supports that this missense variant has a deleterious effect on protein structure/function; Has not been previously published as pathogenic or benign to our knowledge

Labcorp Genetics (formerly Invitae), Labcorp
Classification: Benign. Last evaluated: 2024-10-23. Review status: criteria provided, single submitter. Criteria: Invitae Variant Classification Sherloc (09022015). Collection method: clinical testing. Allele origin: germline.